The following is an entry in ClinVar:

ClinVar aggregate classification (germline): Uncertain significance. Review status: criteria provided, multiple submitters, no conflicts (2 of 4 stars). 2 submissions from 2 submitters: Uncertain significance (2). Last evaluated 2025-02-26.

gnomAD v4.1: 8 of 1,573,612 alleles (0.00051%); highest among the groups gnomAD compares: Non-Finnish European, 0.0007%; no homozygotes.

Submissions (2):

Quest Diagnostics Nichols Institute San Juan Capistrano
Classification: Uncertain significance. Last evaluated: 2025-02-26. Review status: criteria provided, single submitter. Criteria: Quest Diagnostics criteria. Collection method: clinical testing. Allele origin: unknown.
Comment: The CFTR c.1522T>G (p.Phe508Val) variant has not been reported in individuals with CFTR-related conditions in the published literature. The frequency of this variant in the general population (Genome Aggregation Database) is uninformative in the assessment of its pathogenicity. Analysis of this variant using bioinformatics tools for the prediction of the effect of amino acid changes on protein structure and function yielded predictions that this variant is damaging. Based on the available information, we are unable to determine the clinical significance of this variant.

Blueprint Genetics
Classification: Uncertain significance. Last evaluated: 2019-03-25. Review status: criteria provided, single submitter. Criteria: ACMG Guidelines, 2015. Collection method: clinical testing. Allele origin: germline.

NM_000492.4(CFTR):c.1522T>G (p.Phe508Val)

Genes: CFTR (CF transmembrane conductance regulator; plus strand), CFTR-AS1 (CFTR antisense RNA 1; minus strand). Cytogenetic location: 7q31.2.
Variant type: single nucleotide variant.
Coding change: c.1522T>G on transcript NM_000492.4 (MANE Select); coding-DNA position 1522, T replaced by G.
Protein change: p.Phe508Val; replaces phenylalanine 508 with valine.
Molecular consequence: missense variant.
Genome position (GRCh38, 1-based): chr7:117,559,593, T>G. VCF-style: chr7-117559593-T-G. GRCh37 (hg19) VCF-style: chr7-117199647-T-G.
Other names: short protein forms F508V.
Identifiers: ClinVar variation 4532956 (VCV004532956.2).
Genomic context (GRCh38, chr7:117,559,593, plus strand): 5'-ATTTCATTCTGTTCTCAGTTTTCCTGGATTATGCCTGGCACCATTAAAGAAAATATCATC[T>G]TTGGTGTTTCCTATGATGAATATAGATACAGAAGCGTCATCAAAGCATGCCAACTAGAAG-3'
Protein context (NP_000483.3, residues 498-518): MPGTIKENII[Phe508Val]GVSYDEYRYR